The following is an entry in ClinVar:

ClinVar aggregate classification (germline): Uncertain significance (1 of 4 stars; one submission).

Allele frequency attached by ClinVar (database versions not stated): TOPMed below 0.00001; ExAC 0.00001; gnomAD exomes 0.00001; gnomAD 0.00002.
gnomAD v4.1: 5 of 1,208,875 alleles (0.00041%); highest among the groups gnomAD compares: Admixed American, 0.011%; no homozygotes.

Submission:

GeneDx
Classification: Uncertain significance. Last evaluated: 2024-01-03. Review status: criteria provided, single submitter. Criteria: GeneDx Variant Classification Process June 2021. Collection method: clinical testing. Allele origin: germline. Affected: yes.
Comment: In silico analysis supports that this missense variant has a deleterious effect on protein structure/function; Has not been previously published as pathogenic or benign to our knowledge

NM_001008537.3(NEXMIF):c.3434A>T (p.Asp1145Val)

Gene: NEXMIF (neurite extension and migration factor; minus strand). Cytogenetic location: Xq13.3.
Variant type: single nucleotide variant.
Coding change: c.3434A>T on transcript NM_001008537.3 (MANE Select); coding-DNA position 3434, A replaced by T.
Protein change: p.Asp1145Val; replaces aspartic acid 1145 with valine.
Molecular consequence: missense variant.
Genome position (GRCh38, 1-based): chrX:74,741,123, T>A on the plus strand (A>T on the coding strand, the complement: NEXMIF is on the minus strand). VCF-style: chrX-74741123-T-A. GRCh37 (hg19) VCF-style: chrX-73960958-T-A.
Other names: short protein forms D1145V.
Identifiers: ClinVar variation 3252122 (VCV003252122.1), dbSNP rs780654337.
Genomic context (GRCh38, chrX:74,741,123, plus strand): 5'-TGACCAGATGGATCATTAAATGTTGACAGGCAAGGGTTTTTTTGGAGCAGGCTGACAGAA[T>A]CCTCATCATTGAACATATGGAACTGAAACTGGTGATTATTTAAAGTAAATCCATCCTCCA-3'
Protein context (NP_001008537.1, residues 1135-1155): QFQFHMFNDE[Asp1145Val]SVSLLQKNPC